The following is an entry in ClinVar:

ClinVar aggregate classification (germline): Uncertain significance. Review status: criteria provided, multiple submitters, no conflicts (2 of 4 stars). 2 submissions from 2 submitters: Uncertain significance (2). Last evaluated 2025-10-25.

Conditions:
Ataxia with oculomotor apraxia type 3. Also called: Ataxia-oculomotor apraxia 3. Identifiers: Orphanet 64753, MedGen C3554690, MONDO:0014084, OMIM 615217.

Allele frequency attached by ClinVar (database versions not stated): gnomAD exomes 0.00009 and 0.00002; gnomAD 0.00003 and 0.00004; TOPMed 0.00003; ExAC 0.00008.

Submissions (2):

Ambry Genetics
Classification: Uncertain significance. Last evaluated: 2025-10-25. Review status: criteria provided, single submitter. Criteria: Ambry Variant Classification Scheme 2023. Collection method: clinical testing. Allele origin: germline.

Baylor Genetics
Classification: Uncertain significance for Ataxia with oculomotor apraxia type 3. Last evaluated: 2018-06-16. Review status: criteria provided, single submitter. Criteria: ACMG Guidelines, 2015. Collection method: clinical testing. Allele origin: maternal. Affected: yes.
Comment: This variant was determined to be of uncertain significance according to ACMG Guidelines, 2015 [PMID:25741868].

NM_001142633.3(PIK3R5):c.1207C>T (p.Pro403Ser)

Gene: PIK3R5 (phosphoinositide-3-kinase regulatory subunit 5; minus strand). Cytogenetic location: 17p13.1.
Variant type: single nucleotide variant.
Coding change: c.1207C>T on transcript NM_001142633.3 (MANE Select); coding-DNA position 1207, C replaced by T.
Protein change: p.Pro403Ser; replaces proline 403 with serine.
Molecular consequence: missense variant.
Genome position (GRCh38, 1-based): chr17:8,888,580, G>A on the plus strand (C>T on the coding strand, the complement: PIK3R5 is on the minus strand). VCF-style: chr17-8888580-G-A. GRCh37 (hg19) VCF-style: chr17-8791897-G-A.
Other names: c.1207C>T, p.Pro403Ser (NM_014308.4, NM_001388396.1); c.1207C>T (NM_001142633.1); c.49C>T, p.Pro17Ser (NM_001251851.2, NM_001251852.2, NM_001251853.2 and 5 more transcripts); short protein forms P403S, P17S.
Identifiers: ClinVar variation 1031877 (VCV001031877.2), dbSNP rs775905402, ClinGen allele CA8380592.